The following is an entry in ClinVar:

ClinVar aggregate classification (germline): Conflicting classifications of pathogenicity. Review status: criteria provided, conflicting classifications (1 of 4 stars). 2 submissions from 2 submitters: Uncertain significance (1); Likely benign (1). Last evaluated 2025-12-16.

Conditions:
Cardiovascular phenotype. Identifiers: MedGen CN230736.
Long QT syndrome (LQTS). Identifiers: MedGen C0023976, MeSH D008133, MONDO:0002442. Disease mechanism: loss of function. Inheritance: Various modes of inheritance.

Submissions (2):

Labcorp Genetics (formerly Invitae), Labcorp
Classification: Uncertain significance for Long QT syndrome. Last evaluated: 2025-12-16. Review status: criteria provided, single submitter. Criteria: Invitae Variant Classification Sherloc (09022015). Collection method: clinical testing. Allele origin: germline.
Comment: This variant, c.4130_4138del, results in the deletion of 3 amino acid(s) of the AKAP9 protein (p.Glu1377_Thr1379del), but otherwise preserves the integrity of the reading frame. This variant is present in population databases (rs774423206, gnomAD 0.009%). This variant has not been reported in the literature in individuals affected with AKAP9-related conditions. ClinVar contains an entry for this variant (Variation ID: 1011191). Experimental studies and prediction algorithms are not available or were not evaluated, and the functional significance of this variant is currently unknown. In summary, the available evidence is currently insufficient to determine the role of this variant in disease. Therefore, it has been classified as a Variant of Uncertain Significance.

Ambry Genetics
Classification: Likely benign for Cardiovascular phenotype. Last evaluated: 2023-03-23. Review status: criteria provided, single submitter. Criteria: Ambry Variant Classification Scheme 2023. Collection method: clinical testing. Allele origin: germline.

NM_005751.5(AKAP9):c.4130_4138del (p.Glu1377_Thr1379del)

Gene: AKAP9 (A-kinase anchoring protein 9; plus strand). Cytogenetic location: 7q21.2.
Variant type: Deletion.
Coding change: c.4130_4138del on transcript NM_005751.5 (MANE Select); coding-DNA positions 4130 to 4138, 9 bases deleted (AGTCCACGG; older notation c.4130_4138delAGTCCACGG).
Protein change: p.Glu1377_Thr1379del.
Molecular consequence: inframe deletion.
Genome position (GRCh38, 1-based): chr7:92,022,991-92,022,999, AGTCCACGG deleted; deleting any 9 consecutive bases within chr7:92,022,990-92,022,999 gives the same sequence; the c. name uses the placement nearest the transcript's 3' end. VCF-style (leftmost placement, unchanged base first): chr7-92022989-TGAGTCCACG-T. GRCh37 (hg19) VCF-style: chr7-91652303-TGAGTCCACG-T.
Other names: c.4130_4138del, p.Glu1377_Thr1379del (NM_147185.3); c.4130_4138delAGTCCACGG (NM_005751.4).
Identifiers: ClinVar variation 1011191 (VCV001011191.10), dbSNP rs774423206, ClinGen allele CA4336481.